The following is an entry in ClinVar:

ClinVar aggregate classification (germline): Uncertain significance (1 of 4 stars; one submission).

Submission:

GeneDx
Classification: Uncertain significance. Last evaluated: 2023-11-06. Review status: criteria provided, single submitter. Criteria: GeneDx Variant Classification Process June 2021. Collection method: clinical testing. Allele origin: germline. Affected: yes.
Comment: Not observed at significant frequency in large population cohorts (gnomAD); In silico analysis supports that this missense variant has a deleterious effect on protein structure/function; Has not been previously published as pathogenic or benign to our knowledge

NM_017852.5(NLRP2):c.976A>T (p.Met326Leu)

Gene: NLRP2 (NLR family pyrin domain containing 2; plus strand). Cytogenetic location: 19q13.42.
Variant type: single nucleotide variant.
Coding change: c.976A>T on transcript NM_017852.5 (MANE Select); coding-DNA position 976, A replaced by T.
Protein change: p.Met326Leu; replaces methionine 326 with leucine.
Molecular consequence: missense variant. On other transcripts: non-coding transcript variant (1).
Genome position (GRCh38, 1-based): chr19:54,982,674, A>T. VCF-style: chr19-54982674-A-T. GRCh37 (hg19) VCF-style: chr19-55494042-A-T.
Other names: c.976A>T, p.Met326Leu (NM_001174081.3); c.910A>T, p.Met304Leu (NM_001174082.3); c.907A>T, p.Met303Leu (NM_001174083.2); c.967A>T, p.Met323Leu (NM_001348003.2); short protein forms M303L, M304L, M323L, M326L.
Identifiers: ClinVar variation 3364077 (VCV003364077.1).